The following is an entry in ClinVar:

ClinVar aggregate classification (germline): Pathogenic/Likely pathogenic. Review status: criteria provided, multiple submitters, no conflicts (2 of 4 stars). 2 submissions from 2 submitters: Pathogenic (1); Likely pathogenic (1). Last evaluated 2025-05-09.

Submissions (2):

Dasa
Classification: Likely pathogenic. Last evaluated: 2025-05-09. Review status: criteria provided, single submitter. Criteria: DASA Assertion Criteria. Collection method: clinical testing. Allele origin: germline.
Comment: NM_001365088.1(SLC12A6):c.1614del (p.Phe538Leufs*18) is a frameshift variant in SLC12A6 predicted to alter the reading frame and introduce a premature termination codon and is predicted to result in an absent or altered protein product. Loss of function is an established disease mechanism for SLC12A6-associated disorders. Also, this variant is rare in population databases. Based on the currently available evidence, this variant is classified as likely pathogenic.

Labcorp Genetics (formerly Invitae), Labcorp
Classification: Pathogenic. Last evaluated: 2023-05-08. Review status: criteria provided, single submitter. Criteria: Invitae Variant Classification Sherloc (09022015). Collection method: clinical testing. Allele origin: germline.
Comment: This sequence change creates a premature translational stop signal (p.Phe538Leufs*18) in the SLC12A6 gene. It is expected to result in an absent or disrupted protein product. Loss-of-function variants in SLC12A6 are known to be pathogenic (PMID: 12368912, 16606917). This variant is not present in population databases (gnomAD no frequency). This variant has not been reported in the literature in individuals affected with SLC12A6-related conditions. ClinVar contains an entry for this variant (Variation ID: 1423567). For these reasons, this variant has been classified as Pathogenic.

Literature cited by the submitters: PubMed 12368912 (cited by Labcorp Genetics (formerly Invitae), Labcorp); PubMed 16606917 (cited by Labcorp Genetics (formerly Invitae), Labcorp).

NM_001365088.1(SLC12A6):c.1614del (p.Phe538fs)

Gene: SLC12A6 (solute carrier family 12 member 6; minus strand). Cytogenetic location: 15q14.
Variant type: Deletion.
Coding change: c.1614del on transcript NM_001365088.1 (MANE Select); coding-DNA position 1614, one base deleted (T; older notation c.1614delT).
Protein change: p.Phe538fs; shifts the reading frame from phenylalanine 538.
Molecular consequence: frameshift variant.
Genome position (GRCh38, 1-based): chr15:34,250,333, A deleted on the plus strand (T on the coding strand, the reverse complement: SLC12A6 is on the minus strand); the first of 5 consecutive A bases (chr15:34,250,333-34,250,337); deleting any one gives the same sequence. VCF-style (leftmost placement, unchanged base first): chr15-34250332-CA-C. GRCh37 (hg19) VCF-style: chr15-34542533-CA-C.
Other names: c.1437del, p.Phe479fs (NM_001042494.2, NM_001042495.2); c.1587del, p.Phe529fs (NM_001042496.2); c.1569del, p.Phe523fs (NM_001042497.2); c.1461del, p.Phe487fs (NM_005135.2); c.1614del, p.Phe538fs (NM_133647.2); short protein forms F487fs, F529fs, F479fs, F523fs, F538fs.
Identifiers: ClinVar variation 1423567 (VCV001423567.8), dbSNP rs1481540503, ClinGen allele CA645569588.
Genomic context (GRCh38, chr15:34,250,332, plus strand): 5'-TTGTTACAAAGAAATTCATTACTCACTTGTCTCTGAGAACAACCCCTTCAATACATGCAC[CA>C]AAAAGGACAACATTGCTTAAATCTACCATATTGAGAGTCAAGGAAACTGTTGTTTACCCT-3'